The following is an entry in ClinVar:

NM_003477.3(PDHX):c.1019T>A (p.Leu340His)

Gene: PDHX (pyruvate dehydrogenase complex component X; plus strand). Cytogenetic location: 11p13.
Variant type: single nucleotide variant.
Coding change: c.1019T>A on transcript NM_003477.3 (MANE Select); coding-DNA position 1019, T replaced by A.
Protein change: p.Leu340His; replaces leucine 340 with histidine.
Molecular consequence: missense variant. On other transcripts: intron variant (1).
Genome position (GRCh38, 1-based): chr11:34,978,178, T>A. VCF-style: chr11-34978178-T-A. GRCh37 (hg19) VCF-style: chr11-34999725-T-A.
Other names: c.839T>A, p.Leu280His (NM_001135024.2); c.343-6392T>A (NM_001166158.2); c.1019T>A (NM_003477.2); short protein forms L280H, L340H.
Identifiers: ClinVar variation 3363107 (VCV003363107.4).

ClinVar aggregate classification (germline): Uncertain significance. Review status: criteria provided, multiple submitters, no conflicts (2 of 4 stars). 3 submissions from 3 submitters: Uncertain significance (3). Last evaluated 2025-11-01.

Conditions:
Pyruvate dehydrogenase E3-binding protein deficiency (PDHXD). Also called: E3-Binding Protein (Component X) Deficiency; Lacticacidemia due to PDX1 deficiency; PYRUVATE HYDROGENASE E3-BINDING PROTEIN DEFICIENCY; LACTIC ACIDEMIA DUE TO DEFECT IN LIPOYL-CONTAINING COMPONENT X OF THE PYRUVATE DEHYDROGENASE COMPLEX. Identifiers: Orphanet 255182, MedGen C1855553, MONDO:0009503, OMIM 245349.
PDHX-related disorder. Also called: PDHX-related condition.

Submissions (3):

PreventionGenetics, part of Exact Sciences
Classification: Uncertain significance for PDHX-related condition. Last evaluated: 2025-11-01. Review status: criteria provided, single submitter. Criteria: ACMG Guidelines, 2015. Collection method: clinical testing. Allele origin: germline.
Comment: The PDHX c.1019T>A variant is predicted to result in the amino acid substitution p.Leu340His. To our knowledge, this variant has not been reported in the literature or in a large population database (gnomAD), indicating this variant is rare. At this time, the clinical significance of this variant is uncertain due to the absence of conclusive functional and genetic evidence.

GeneDx
Classification: Uncertain significance. Last evaluated: 2024-11-11. Review status: criteria provided, single submitter. Criteria: GeneDx Variant Classification Process June 2021. Collection method: clinical testing. Allele origin: germline. Affected: yes.
Comment: Not observed at significant frequency in large population cohorts (gnomAD); In silico analysis supports that this missense variant has a deleterious effect on protein structure/function; Has not been previously published as pathogenic or benign to our knowledge

Kasturba Medical College, Manipal, Kasturba Medical College, Manipal, Manipal Academy of Higher Education, Manipal, India
Classification: Uncertain significance for Pyruvate dehydrogenase E3-binding protein deficiency. Review status: criteria provided, single submitter. Criteria: ACMG Guidelines, 2015. Collection method: clinical testing. Allele origin: biparental. Inheritance: Autosomal recessive inheritance. Affected: yes. Observed: 1 homozygote.
Comment: In silico analysis tools (CADD_phred, REVEL, MutationTaster) are consistent in predicting the variant as damaging to PDHX protein function.